The following is an entry in ClinVar:

ClinVar aggregate classification (germline): Uncertain significance (1 of 4 stars; one submission).

Submission:

Labcorp Genetics (formerly Invitae), Labcorp
Classification: Uncertain significance. Last evaluated: 2023-08-28. Review status: criteria provided, single submitter. Criteria: Invitae Variant Classification Sherloc (09022015). Collection method: clinical testing. Allele origin: germline.
Comment: In summary, the available evidence is currently insufficient to determine the role of this variant in disease. Therefore, it has been classified as a Variant of Uncertain Significance. This variant has not been reported in the literature in individuals affected with DSCAML1-related conditions. This variant is not present in population databases (gnomAD no frequency). This sequence change creates a premature translational stop signal (p.Ser342Lysfs*14) in the DSCAML1 gene. It is expected to result in an absent or disrupted protein product. However, the current clinical and genetic evidence is not sufficient to establish whether loss-of-function variants in DSCAML1 cause disease.

NM_020693.4(DSCAML1):c.844dup (p.Ser282fs)

Gene: DSCAML1 (DS cell adhesion molecule like 1; minus strand). Cytogenetic location: 11q23.3.
Variant type: Duplication.
Coding change: c.844dup on transcript NM_020693.4 (MANE Select); coding-DNA position 844, one base duplicated (A; older notation c.844dupA).
Protein change: p.Ser282fs; shifts the reading frame from serine 282.
Molecular consequence: frameshift variant.
Genome position (GRCh38, 1-based): chr11:117,524,898, T duplicated on the plus strand (A on the coding strand, the reverse complement: DSCAML1 is on the minus strand). VCF-style (leftmost placement, unchanged base first): chr11-117524897-C-CT. GRCh37 (hg19) VCF-style: chr11-117395612-C-CT.
Other names: c.844dup, p.Ser282fs (NM_001367904.1); c.436dup, p.Ser146fs (NM_001367905.1); short protein forms S282fs, S146fs.
Identifiers: ClinVar variation 2747407 (VCV002747407.3), dbSNP rs2543280237, ClinGen allele CA2697558984.
Genomic context (GRCh38, chr11:117,524,897, plus strand): 5'-GAACCGAAGGTGTTGGTGACCTCACAAATGTAGGTGCCGCTGTCCTCGGTCCGCAAGTCG[C>CT]TGATGGTCAGCCCTGTGATGCGCTTGGTCCAGCGGCTGTCAGCCGGGAGGGGCCGGCCAT-3'